The following is an entry in ClinVar:

NM_001370.2(DNAH6):c.1385C>T (p.Ser462Leu)

Gene: DNAH6 (dynein axonemal heavy chain 6; plus strand). Cytogenetic location: 2p11.2.
Variant type: single nucleotide variant.
Coding change: c.1385C>T on transcript NM_001370.2 (MANE Select); coding-DNA position 1385, C replaced by T.
Protein change: p.Ser462Leu; replaces serine 462 with leucine.
Molecular consequence: missense variant.
Genome position (GRCh38, 1-based): chr2:84,549,957, C>T. VCF-style: chr2-84549957-C-T. GRCh37 (hg19) VCF-style: chr2-84777081-C-T.
Other names: c.1385C>T (NM_001370.1); short protein forms S462L.
Identifiers: ClinVar variation 3777786 (VCV003777786.8).

ClinVar aggregate classification (germline): Likely benign. Review status: criteria provided, multiple submitters, no conflicts (2 of 4 stars). 2 submissions from 2 submitters: Likely benign (2). Last evaluated 2025-12-18.

Conditions:
DNAH6-related disorder. Also called: DNAH6-related condition.

gnomAD v4.1: 3,567 of 1,613,588 alleles (0.22%); highest among the groups gnomAD compares: Non-Finnish European, 0.27%; 4 homozygotes.

Submissions (2):

PreventionGenetics, part of Exact Sciences
Classification: Likely benign for DNAH6-related condition. Last evaluated: 2025-12-18. Review status: criteria provided, single submitter. Criteria: ACMG Guidelines, 2015. Collection method: clinical testing. Allele origin: germline.
Comment: This variant is classified as likely benign based on ACMG/AMP sequence variant interpretation guidelines (Richards et al. 2015 PMID: 25741868, with internal and published modifications).

CeGaT Center for Human Genetics Tuebingen
Classification: Likely benign. Last evaluated: 2025-03-01. Review status: criteria provided, single submitter. Criteria: CeGaT Center For Human Genetics Tuebingen Variant Classification Criteria Version 2. Collection method: clinical testing. Allele origin: germline. Affected: yes. Observed: 1 variant allele.
Comment: DNAH6: BP4, BS2